The following is an entry in ClinVar:

ClinVar aggregate classification (germline): Pathogenic. Review status: criteria provided, multiple submitters, no conflicts (2 of 4 stars). 2 submissions from 2 submitters: Pathogenic (2). Last evaluated 2025-04-03.

Conditions:
Neurofibromatosis, type 1 (NF1). Also called: NEUROFIBROMATOSIS, TYPE I, SOMATIC; Neurofibromatosis, type I; VON RECKLINGHAUSEN DISEASE; Peripheral type neurofibromatosis. Identifiers: Orphanet 636, MedGen C0027831, MONDO:0018975, OMIM 162200. Disease mechanism: loss of function.
Cardiovascular phenotype. Identifiers: MedGen CN230736.
Hereditary cancer-predisposing syndrome. Also called: Neoplastic Syndromes, Hereditary; Tumor predisposition; Hereditary Cancer Syndrome; Hereditary neoplastic syndrome. Identifiers: Orphanet 140162, MedGen C0027672, MeSH D009386, MONDO:0015356.

Submissions (2):

Ambry Genetics
Classification: Pathogenic for Cardiovascular phenotype; Hereditary cancer-predisposing syndrome. Last evaluated: 2025-04-03. Review status: criteria provided, single submitter. Criteria: Ambry Variant Classification Scheme 2023. Collection method: clinical testing. Allele origin: germline.
Comment: The p.E1356* pathogenic mutation (also known as c.4066G>T), located in coding exon 30 of the NF1 gene, results from a G to T substitution at nucleotide position 4066. This changes the amino acid from a glutamic acid to a stop codon within coding exon 30. This variant was reported in individual(s) with features consistent with Neurofibromatosis type I (Xu W et al. Int J Mol Med, 2014 Jul;34:53-60). This variant is considered to be rare based on population cohorts in the Genome Aggregation Database (gnomAD). In addition to the clinical data presented in the literature, this alteration is expected to result in loss of function by premature protein truncation or nonsense-mediated mRNA decay. As such, this alteration is interpreted as a disease-causing mutation.

Labcorp Genetics (formerly Invitae), Labcorp
Classification: Pathogenic for Neurofibromatosis, type 1. Last evaluated: 2025-03-06. Review status: criteria provided, single submitter. Criteria: Invitae Variant Classification Sherloc (09022015). Collection method: clinical testing. Allele origin: germline.
Comment: This sequence change creates a premature translational stop signal (p.Glu1356*) in the NF1 gene. It is expected to result in an absent or disrupted protein product. Loss-of-function variants in NF1 are known to be pathogenic (PMID: 10712197, 23913538). This variant is not present in population databases (gnomAD no frequency). This premature translational stop signal has been observed in individual(s) with NF1-related conditions (PMID: 24789688). For these reasons, this variant has been classified as Pathogenic.

Literature cited by the submitters: PubMed 24789688 (cited by Ambry Genetics and Labcorp Genetics (formerly Invitae), Labcorp); PubMed 10712197 (cited by Labcorp Genetics (formerly Invitae), Labcorp); PubMed 23913538 (cited by Labcorp Genetics (formerly Invitae), Labcorp).

NM_001042492.3(NF1):c.4066G>T (p.Glu1356Ter)

Gene: NF1 (neurofibromin 1; plus strand). Cytogenetic location: 17q11.2.
Variant type: single nucleotide variant.
Coding change: c.4066G>T on transcript NM_001042492.3 (MANE Select); coding-DNA position 4066, G replaced by T.
Protein change: p.Glu1356Ter; replaces glutamic acid 1356 with a stop codon.
Molecular consequence: nonsense.
Genome position (GRCh38, 1-based): chr17:31,249,075, G>T. VCF-style: chr17-31249075-G-T. GRCh37 (hg19) VCF-style: chr17-29576093-G-T.
Other names: c.4066G>T, p.Glu1356Ter (NM_000267.4); short protein forms E1356*.
Identifiers: ClinVar variation 4014460 (VCV004014460.2).
Genomic context (GRCh38, chr17:31,249,075, plus strand): 5'-CAGCGGAACCTCCTTCAGATGACTGAAAAGTTCTTCCATGCCATCATCAGTTCCTCCTCA[G>T]AATTCCCCCCTCAACTTCGAAGTGTGTGCCACTGTTTATACCAGGTATGCTTACAGTTAG-3'